The following is an entry in ClinVar:

NM_023110.3(FGFR1):c.2436_2440del (p.Gln813fs)

Gene: FGFR1 (fibroblast growth factor receptor 1; minus strand). Cytogenetic location: 8p11.23.
Variant type: Microsatellite.
Coding change: c.2436_2440del on transcript NM_023110.3 (MANE Select); coding-DNA positions 2436 to 2440, 5 bases deleted (CCAGC; older notation c.2436_2440delCCAGC).
Protein change: p.Gln813fs; shifts the reading frame from glutamine 813.
Molecular consequence: frameshift variant. On other transcripts: intron variant (3).
Genome position (GRCh38, 1-based): chr8:38,413,657-38,413,661, GCTGG deleted on the plus strand (CCAGC on the coding strand, the reverse complement: FGFR1 is on the minus strand); deleting any 5 consecutive bases within chr8:38,413,657-38,413,667 gives the same sequence; the c. name uses the placement nearest the transcript's 3' end. VCF-style (leftmost placement, unchanged base first): chr8-38413656-AGCTGG-A. GRCh37 (hg19) VCF-style: chr8-38271174-AGCTGG-A.
Other names: c.2430_2434del, p.Gln811fs (NM_001174063.2, NM_001174065.2, NM_015850.4); c.2406_2410del, p.Gln803fs (NM_001174064.2); c.2169_2173del, p.Gln724fs (NM_001174066.2, NM_023105.3); c.2529_2533del, p.Gln844fs (NM_001174067.2); c.2157_2161del, p.Gln720fs (NM_001354368.2); c.2424_2428del, p.Gln809fs (NM_001410922.1); c.2163_2167del, p.Gln722fs (NM_023106.3); c.2019+257_2019+261del (NM_001354370.2); and 2 more; short protein forms Q720fs, Q722fs, Q724fs, Q803fs, Q809fs, Q811fs, Q813fs, Q844fs.
Identifiers: ClinVar variation 4526459 (VCV004526459.1).

ClinVar aggregate classification (germline): Likely pathogenic (1 of 4 stars; one submission).

Conditions:
Multiple epiphyseal dysplasia. Also called: Multiple epiphyseal dysplasia (disease). Identifiers: Orphanet 251, MedGen C0026760, MONDO:0016648, HP:0002654.

Submission:

Genetics Department, University Hospital of Toulouse
Classification: Likely pathogenic for Multiple epiphyseal dysplasia. Last evaluated: 2025-09-19. Review status: criteria provided, single submitter. Criteria: ACMG Guidelines, 2015. Collection method: clinical testing. Allele origin: germline. Affected: yes. Observed: 3 variant alleles.
Comment: Likely pathogenic based on PM2 (absent from gnomAD), PM4 (protein length–altering variant), PP4 (specific phenotype), and PP1_Strong (segregation in three affected individuals)